The following is an entry in ClinVar:

ClinVar aggregate classification (germline): Uncertain significance. Review status: criteria provided, multiple submitters, no conflicts (2 of 4 stars). 2 submissions from 2 submitters: Uncertain significance (2). Last evaluated 2024-11-15.

Conditions:
Inborn genetic diseases. Identifiers: MedGen C0950123, MeSH D030342.

Allele frequency attached by ClinVar (database versions not stated): gnomAD 0.00006; ExAC 0.00007; gnomAD exomes 0.00007; TOPMed 0.00008; ESP Exome Variant Server 0.00016.
gnomAD v4.1: 104 of 1,612,536 alleles (0.0064%); highest among the groups gnomAD compares: Non-Finnish European, 0.0081%; no homozygotes.

Submissions (2):

Ambry Genetics
Classification: Uncertain significance for Inborn genetic diseases. Last evaluated: 2024-11-15. Review status: criteria provided, single submitter. Criteria: Ambry Variant Classification Scheme 2023. Collection method: clinical testing. Allele origin: germline.

Labcorp Genetics (formerly Invitae), Labcorp
Classification: Uncertain significance. Last evaluated: 2022-08-09. Review status: criteria provided, single submitter. Criteria: Invitae Variant Classification Sherloc (09022015). Collection method: clinical testing. Allele origin: germline.
Comment: This sequence change replaces proline, which is neutral and non-polar, with arginine, which is basic and polar, at codon 26 of the MICU1 protein (p.Pro26Arg). This variant is present in population databases (rs200027121, gnomAD 0.01%). This variant has not been reported in the literature in individuals affected with MICU1-related conditions. Algorithms developed to predict the effect of missense changes on protein structure and function are either unavailable or do not agree on the potential impact of this missense change (SIFT: "Tolerated"; PolyPhen-2: "Not Available"; Align-GVGD: "Class C0"). In summary, the available evidence is currently insufficient to determine the role of this variant in disease. Therefore, it has been classified as a Variant of Uncertain Significance.

NM_001195518.2(MICU1):c.77C>G (p.Pro26Arg)

Gene: MICU1 (mitochondrial calcium uptake 1; minus strand). Cytogenetic location: 10q22.1.
Variant type: single nucleotide variant.
Coding change: c.77C>G on transcript NM_001195518.2 (MANE Select); coding-DNA position 77, C replaced by G.
Protein change: p.Pro26Arg; replaces proline 26 with arginine.
Molecular consequence: missense variant.
Genome position (GRCh38, 1-based): chr10:72,566,717, G>C on the plus strand (C>G on the coding strand, the complement: MICU1 is on the minus strand). VCF-style: chr10-72566717-G-C. GRCh37 (hg19) VCF-style: chr10-74326475-G-C.
Other names: c.77C>G, p.Pro26Arg (NM_001363513.2, NM_006077.4); c.77C>G (NM_006077.3); short protein forms P26R.
Identifiers: ClinVar variation 2414902 (VCV002414902.4), dbSNP rs200027121, ClinGen allele CA5550357.